The following is an entry in ClinVar:

ClinVar aggregate classification (germline): Benign. Review status: criteria provided, multiple submitters, no conflicts (2 of 4 stars). 3 submissions from 3 submitters: Benign (2). 1 of the submissions does not count toward it. Last evaluated 2019-12-31.

Conditions:
NCAPG2-related disorder. Also called: NCAPG2-related condition.

Allele frequency attached by ClinVar (database versions not stated): gnomAD exomes 0.00316 and 0.00745; ExAC 0.00897; gnomAD 0.02801 and 0.02994; ESP Exome Variant Server 0.03172; TOPMed 0.03208; 1000 Genomes Project 0.03275; 1000 Genomes Project 30x 0.03592.
gnomAD v4.1: 9,068 of 1,614,098 alleles (0.56%); highest among the groups gnomAD compares: African/African-American, 10%; 375 homozygotes.

Submissions (3):

Labcorp Genetics (formerly Invitae), Labcorp
Classification: Benign. Last evaluated: 2019-12-31. Review status: criteria provided, single submitter. Criteria: Invitae Variant Classification Sherloc (09022015). Collection method: clinical testing. Allele origin: germline.

Breakthrough Genomics
Classification: Benign. Review status: criteria provided, single submitter. Criteria: ACMG Guidelines, 2015. Collection method: not provided. Allele origin: germline. Inheritance: Autosomal recessive inheritance. Affected: yes.

PreventionGenetics, part of Exact Sciences
Classification: Benign for NCAPG2-related condition. Last evaluated: 2019-06-07. Review status: no assertion criteria provided. Collection method: clinical testing. Allele origin: germline. Not counted in ClinVar's aggregate classification.
Comment: This variant is classified as benign based on ACMG/AMP sequence variant interpretation guidelines (Richards et al. 2015 PMID: 25741868, with internal and published modifications).

NM_017760.7(NCAPG2):c.2154G>A (p.Gln718=)

Gene: NCAPG2 (non-SMC condensin II complex subunit G2; minus strand). Cytogenetic location: 7q36.3.
Variant type: single nucleotide variant.
Coding change: c.2154G>A on transcript NM_017760.7 (MANE Select); coding-DNA position 2154, G replaced by A.
Protein change: p.Gln718=; no amino-acid change (glutamine 718 retained).
Molecular consequence: synonymous variant. On other transcripts: non-coding transcript variant (1).
Genome position (GRCh38, 1-based): chr7:158,656,612, C>T on the plus strand (G>A on the coding strand, the complement: NCAPG2 is on the minus strand). VCF-style: chr7-158656612-C-T. GRCh37 (hg19) VCF-style: chr7-158449304-C-T.
Other names: c.2154G>A, p.Gln718= (NM_001281932.2, NM_001281933.2).
Identifiers: ClinVar variation 778369 (VCV000778369.7), dbSNP rs17851792, ClinGen allele CA4592632.